The following is an entry in ClinVar:

Conditions:
Breast-ovarian cancer, familial, susceptibility to, 1 (BROVCA1). Also called: BRCA1 Hereditary Breast and Ovarian Cancer; OVARIAN CANCER, SUSCEPTIBILITY TO. Identifiers: Orphanet 145, MedGen C2676676, MONDO:0011450, OMIM 604370. Disease mechanism: loss of function.

Allele frequency attached by ClinVar (database versions not stated): 1000 Genomes Project 30x 0.00016.

Submission:

Brotman Baty Institute, University of Washington
No classification provided (evidence only). Condition: Breast-ovarian cancer, familial 1. Review status: no classification provided. Collection method: in vitro. Allele origin: not applicable. Functional consequence: functionally_normal.
ClinVar note: "not provided" was previously submitted as the classification for the variant. However, the classification appeared to be based only on an observation of functional data so it was converted to no classification on 2025-07-30.

NM_007294.4(BRCA1):c.134+17T>C

Gene: BRCA1 (BRCA1 DNA repair associated; minus strand). Cytogenetic location: 17q21.31.
Variant type: single nucleotide variant.
Coding change: c.134+17T>C on transcript NM_007294.4 (MANE Select); 17 bases into the intron after coding-DNA position 134, T replaced by C.
Molecular consequence: intron variant.
Genome position (GRCh38, 1-based): chr17:43,115,709, A>G on the plus strand (T>C on the coding strand, the complement: BRCA1 is on the minus strand). VCF-style: chr17-43115709-A-G. GRCh37 (hg19) VCF-style: chr17-41267726-A-G.
Other names: c.-8+17T>C (NM_001408458.1, NM_001408470.1, NM_001407848.1 and 47 more transcripts); c.-219+9568T>C (NM_001407967.1); c.-170+9568T>C (NM_001407959.1); c.-7-9176T>C (NM_001407931.1, NM_001407747.1, NM_001408511.1 and 2 more transcripts); c.-170+17T>C (NM_001407962.1, NM_001408512.1, NM_001408510.1 and 1 more transcripts); c.-55+17T>C (NM_001407885.1, NM_001407886.1, NM_001408509.1 and 52 more transcripts); c.-124+17T>C (NM_001407746.1, NM_001408468.1, NM_001407842.1 and 13 more transcripts); c.-8+8308T>C (NM_001408461.1, NM_001407738.1, NM_001407932.1 and 23 more transcripts); and 10 more.
Identifiers: ClinVar variation 868189 (VCV000868189.3), dbSNP rs2055238405, ClinGen allele CA916080959.
Genomic context (GRCh38, chr17:43,115,709, plus strand): 5'-AAAGTTAGGTGTTTCCTGGGTTATGAAGGACAAAAACAAAAGCTAATAATGGAGCCACAT[A>G]ACACATTCAAACTTACTTGCAAAATATGTGGTCACACTTTGTGGAGACAGGTTCCTTGAT-3'